The following is an entry in ClinVar:

ClinVar aggregate classification (germline): Uncertain significance. Review status: criteria provided, multiple submitters, no conflicts (2 of 4 stars). 13 submissions from 13 submitters: Uncertain significance (13). Last evaluated 2026-01-19.

Conditions:
Hereditary cancer-predisposing syndrome. Also called: Neoplastic Syndromes, Hereditary; Tumor predisposition; Hereditary Cancer Syndrome; Hereditary neoplastic syndrome. Identifiers: Orphanet 140162, MedGen C0027672, MeSH D009386, MONDO:0015356.
Familial adenomatous polyposis 2. Also called: Adenomas, multiple colorectal; COLORECTAL ADENOMATOUS POLYPOSIS, AUTOSOMAL RECESSIVE; ADENOMAS, MULTIPLE COLORECTAL, AUTOSOMAL RECESSIVE; MYH-associated polyposis; MUTYH Polyposis; FAP type 2. Identifiers: Orphanet 220460, Orphanet 247798, MedGen C3272841, MONDO:0012041, OMIM 608456.

Allele frequency attached by ClinVar (database versions not stated): ExAC 0.00002; TOPMed 0.00003; gnomAD 0.00006; ESP Exome Variant Server 0.00008.

Submissions (13):

Labcorp Genetics (formerly Invitae), Labcorp
Classification: Uncertain significance for Familial adenomatous polyposis 2. Last evaluated: 2026-01-19. Review status: criteria provided, single submitter. Criteria: Invitae Variant Classification Sherloc (09022015). Collection method: clinical testing. Allele origin: germline.
Comment: This sequence change replaces glutamic acid, which is acidic and polar, with lysine, which is basic and polar, at codon 479 of the MUTYH protein (p.Glu479Lys). This variant is present in population databases (rs376790729, gnomAD 0.008%). This missense change has been observed in individual(s) with multiple colon adenomas or breast cancer (PMID: 20618354, 34130653). ClinVar contains an entry for this variant (Variation ID: 186129). An algorithm developed to predict the effect of missense changes on protein structure and function (PolyPhen-2) suggests that this variant is likely to be tolerated. In summary, the available evidence is currently insufficient to determine the role of this variant in disease. Therefore, it has been classified as a Variant of Uncertain Significance.

Color Diagnostics, LLC DBA Color Health
Classification: Uncertain significance for Hereditary cancer-predisposing syndrome. Last evaluated: 2025-07-08. Review status: criteria provided, single submitter. Criteria: ACMG Guidelines, 2015. Collection method: clinical testing. Allele origin: germline.
Comment: This missense variant replaces glutamic acid with lysine at codon 479 of the MUTYH protein. Computational prediction suggests that this variant may not impact protein structure and function. To our knowledge, functional studies have not been reported for this variant. This variant has been identified as a heterozygous variant in two related individuals affected with polyposis (PMID: 20618354) and an individual affected with colorectal cancer (PMID: 21901162). In a large international case-control meta-analysis, this variant was reported in 1/60466 breast cancer cases and 1/53461 controls (PMID: 33471991). This variant has been identified in 11/282904 chromosomes in the general population by the Genome Aggregation Database (gnomAD). The available evidence is insufficient to determine the role of this variant in disease conclusively. Therefore, this variant is classified as a Variant of Uncertain Significance.

GeneDx
Classification: Uncertain significance. Last evaluated: 2025-06-13. Review status: criteria provided, single submitter. Criteria: GeneDx Variant Classification Process June 2021. Collection method: clinical testing. Allele origin: germline. Affected: yes.
Comment: Observed without a second MUTYH variant two related individuals with multiple adenomas and in an individual with soft tissue sarcoma (PMID: 20618354, 27498913); In silico analysis suggests that this missense variant does not alter protein structure/function; Not observed at significant frequency in large population cohorts (gnomAD); Also known as Glu476Lys; This variant is associated with the following publications: (PMID: 27498913, 20618354, 23108399)

Ambry Genetics
Classification: Uncertain significance for Hereditary cancer-predisposing syndrome. Last evaluated: 2025-01-28. Review status: criteria provided, single submitter. Criteria: Ambry Variant Classification Scheme 2023. Collection method: clinical testing. Allele origin: germline.
Comment: The p.E479K variant (also known as c.1435G>A), located in coding exon 14 of the MUTYH gene, results from a G to A substitution at nucleotide position 1435. The glutamic acid at codon 479 is replaced by lysine, an amino acid with similar properties. A second MUTYH alteration was not identified in this patient (Morak M et al. Clin. Genet. 2010 Oct;78:353-63). Of note, this alteration is also known as c.1393G>A (p.Glu465Lys) in published literature. This amino acid position is not well conserved in available vertebrate species. In addition, the in silico prediction for this alteration is inconclusive. Based on the available evidence, the clinical significance of this variant remains unclear.

Quest Diagnostics Nichols Institute San Juan Capistrano
Classification: Uncertain significance. Last evaluated: 2024-12-03. Review status: criteria provided, single submitter. Criteria: Quest Diagnostics criteria. Collection method: clinical testing. Allele origin: unknown.
Comment: The MUTYH c.1435G>A (p.Glu479Lys) variant has been reported in the published literature in individuals affected with breast cancer (PMID: 33471991 (2021), see also LOVD) and attenuated familial adenomatous polyposis (AFAP) (PMID: 20618354 (2010)). This variant has also been identified in reportedly healthy individuals (PMID: 29641532 (2018), 33471991 (2021), see also LOVD). The frequency of this variant in the general population (Genome Aggregation Database) is uninformative in the assessment of its pathogenicity. Analysis of this variant using bioinformatics tools for the prediction of the effect of amino acid changes on protein structure and function yielded predictions that this variant is benign. Based on the available information, we are unable to determine the clinical significance of this variant.

Women's Health and Genetics/Laboratory Corporation of America, LabCorp
Classification: Uncertain significance. Last evaluated: 2024-05-24. Review status: criteria provided, single submitter. Criteria: LabCorp Variant Classification Summary - May 2015. Collection method: clinical testing. Allele origin: germline.
Comment: Variant summary: MUTYH c.1435G>A (p.Glu479Lys) results in a conservative amino acid change located in the NUDIX hydrolase domain (IPR000086) of the encoded protein sequence. Five of five in-silico tools predict a benign effect of the variant on protein function. The variant allele was found at a frequency of 3.6e-05 in 251492 control chromosomes. The available data on variant occurrences in the general population are insufficient to allow any conclusion about variant significance. c.1435G>A has been reported in the literature in at least one heterozygous individual affected with an attenuated familial adenomatous polyposis III colorectal neoplasia (e.g. Morak_2010). This report does not provide sufficient evidence to allow unequivocal conclusions about association of the variant with MUTYH-Associated Polyposis. To our knowledge, no experimental evidence demonstrating an impact on protein function has been reported. The following publications have been ascertained in the context of this evaluation (PMID: 34130653, 20618354). ClinVar contains an entry for this variant (Variation ID: 186129). Based on the evidence outlined above, the variant was classified as uncertain significance.

Molecular Pathology, Peter Maccallum Cancer Centre
Classification: Uncertain significance for Familial adenomatous polyposis 2. Last evaluated: 2024-04-15. Review status: criteria provided, single submitter. Criteria: ACMG Guidelines, 2015. Collection method: clinical testing. Allele origin: germline. Inheritance: Autosomal recessive inheritance.

Baylor Genetics
Classification: Uncertain significance for Familial adenomatous polyposis 2. Last evaluated: 2024-03-11. Review status: criteria provided, single submitter. Criteria: ACMG Guidelines, 2015. Collection method: clinical testing. Allele origin: unknown.

All of Us Research Program, National Institutes of Health
Classification: Uncertain significance for Familial adenomatous polyposis 2. Last evaluated: 2023-11-28. Review status: criteria provided, single submitter. Criteria: ACMG Guidelines, 2015. Collection method: clinical testing. Allele origin: germline. Inheritance: Autosomal recessive inheritance. Observed: 8 variant alleles, 8 heterozygotes.
Comment: This missense variant replaces glutamic acid with lysine at codon 479 of the MUTYH protein. Computational prediction suggests that this variant may not impact protein structure and function (internally defined REVEL score threshold <= 0.5, PMID: 27666373). To our knowledge, functional studies have not been reported for this variant. This variant has been identified as a heterozygous variant in two related individuals affected with polyposis (PMID: 20618354) and an individual affected with colorectal cancer (PMID: 21901162). In a large international case-control meta-analysis, this variant was reported in 1/60466 breast cancer cases and 1/53461 controls (PMID: 33471991). This variant has been identified in 11/282904 chromosomes in the general population by the Genome Aggregation Database (gnomAD). The available evidence is insufficient to determine the role of this variant in disease conclusively. Therefore, this variant is classified as a Variant of Uncertain Significance.

This study involves interpretation of variants in research participants for the purpose of population health screening. Participant phenotype was not available at the time of variant classification. Additional details can be found in publication PMID: 35346344, PMCID: PMC8962531

Mayo Clinic Laboratories, Mayo Clinic
Classification: Uncertain significance. Last evaluated: 2023-03-20. Review status: criteria provided, single submitter. Criteria: ACMG Guidelines, 2015. Collection method: clinical testing. Allele origin: germline. Observed: 8 variant alleles.

Sema4
Classification: Uncertain significance for Hereditary cancer-predisposing syndrome. Last evaluated: 2021-11-30. Review status: criteria provided, single submitter. Criteria: Sema4 Curation Guidelines. Collection method: curation. Allele origin: germline.
Comment: The MUTYH c.1435G>A (p.E479K) variant has been reported in heterozygosity in at least one individual with polyposis (PMID: 20618354). It was observed in 2/24974 chromosomes of the African/African American subpopulation in the large and broad cohorts of the Genome Aggregation Database (PMID: 32461654). This variant has been reported in ClinVar (Variation ID 186129). Functional studies have not been performed, and in silico predictions of the variant's effect on protein function are inconclusive. The evidence is insufficient to meet ACMG/AMP criteria for classifying the variant as benign or pathogenic. Thus, the clinical significance of this variant is currently uncertain.

Genomic Diagnostic Laboratory, Division of Genomic Diagnostics, Children's Hospital of Philadelphia
Classification: Uncertain significance for MYH-associated polyposis. Last evaluated: 2015-03-25. Review status: criteria provided, single submitter. Criteria: DGD Variant Analysis Guidelines. Collection method: clinical testing. Allele origin: unknown.

Breakthrough Genomics
Classification: Uncertain significance. Review status: criteria provided, single submitter. Criteria: ACMG Guidelines, 2015. Collection method: not provided. Allele origin: germline. Inheritance: Autosomal recessive inheritance. Affected: yes.

Literature cited by the submitters: PubMed 20618354 (cited by 8 submitters); PubMed 34130653 (cited by 3 submitters); PubMed 21901162 (cited by 4 submitters); PubMed 33471991 (cited by 3 submitters); PubMed 29641532 (cited by Ambry Genetics and Quest Diagnostics Nichols Institute San Juan Capistrano).

NM_001048174.2(MUTYH):c.1351G>A (p.Glu451Lys)

Gene: MUTYH (mutY DNA glycosylase; minus strand). Cytogenetic location: 1p34.1.
Variant type: single nucleotide variant.
Coding change: c.1351G>A on transcript NM_001048174.2 (MANE Select); coding-DNA position 1351, G replaced by A.
Protein change: p.Glu451Lys; replaces glutamic acid 451 with lysine.
Molecular consequence: missense variant. On other transcripts: non-coding transcript variant (2).
Genome position (GRCh38, 1-based): chr1:45,331,223, C>T on the plus strand (G>A on the coding strand, the complement: MUTYH is on the minus strand). VCF-style: chr1-45331223-C-T. GRCh37 (hg19) VCF-style: chr1-45796895-C-T.
Other names: p.Glu479Lys; c.1351G>A, p.Glu451Lys (NM_001048171.2, NM_001048173.2, NM_001293195.2); c.1354G>A, p.Glu452Lys (NM_001048172.2); c.1435G>A, p.Glu479Lys (NM_001128425.2); c.1396G>A, p.Glu466Lys (NM_001293190.2); c.1384G>A, p.Glu462Lys (NM_001293191.2); c.1075G>A, p.Glu359Lys (NM_001293192.2, NM_001293196.2); c.1006G>A, p.Glu336Lys (NM_001350650.2, NM_001350651.2); and 1 more; short protein forms E479K, E359K, E451K, E452K, E462K, E466K, E476K, E336K.
Identifiers: ClinVar variation 186129 (VCV000186129.36), dbSNP rs376790729, ClinGen allele CA012816.